The following is an entry in ClinVar:

ClinVar aggregate classification (germline): Uncertain significance (1 of 4 stars; one submission).

Allele frequency attached by ClinVar (database versions not stated): gnomAD exomes 0.00001; ExAC 0.00003; gnomAD 0.00003; TOPMed 0.00005; ESP Exome Variant Server 0.00008; 1000 Genomes Project 0.00020; 1000 Genomes Project 30x 0.00047.
gnomAD v4.1: 14 of 1,609,140 alleles (0.00087%); highest among the groups gnomAD compares: African/African-American, 0.016%; no homozygotes.

Submission:

Labcorp Genetics (formerly Invitae), Labcorp
Classification: Uncertain significance. Last evaluated: 2023-01-24. Review status: criteria provided, single submitter. Criteria: Invitae Variant Classification Sherloc (09022015). Collection method: clinical testing. Allele origin: germline.
Comment: Advanced modeling of protein sequence and biophysical properties (such as structural, functional, and spatial information, amino acid conservation, physicochemical variation, residue mobility, and thermodynamic stability) performed at Invitae indicates that this missense variant is not expected to disrupt LEMD3 protein function. This sequence change replaces isoleucine, which is neutral and non-polar, with methionine, which is neutral and non-polar, at codon 574 of the LEMD3 protein (p.Ile574Met). This variant is present in population databases (rs368041039, gnomAD 0.02%). This variant has not been reported in the literature in individuals affected with LEMD3-related conditions. In summary, the available evidence is currently insufficient to determine the role of this variant in disease. Therefore, it has been classified as a Variant of Uncertain Significance.

NM_014319.5(LEMD3):c.1722A>G (p.Ile574Met)

Gene: LEMD3 (LEM domain containing 3; plus strand). Cytogenetic location: 12q14.3.
Variant type: single nucleotide variant.
Coding change: c.1722A>G on transcript NM_014319.5 (MANE Select); coding-DNA position 1722, A replaced by G.
Protein change: p.Ile574Met; replaces isoleucine 574 with methionine.
Molecular consequence: missense variant.
Genome position (GRCh38, 1-based): chr12:65,238,528, A>G. VCF-style: chr12-65238528-A-G. GRCh37 (hg19) VCF-style: chr12-65632308-A-G.
Other names: c.1719A>G, p.Ile573Met (NM_001167614.2); short protein forms I573M, I574M.
Identifiers: ClinVar variation 2414209 (VCV002414209.6), dbSNP rs368041039, ClinGen allele CA6671022.